The following is an entry in ClinVar:

NM_005228.5(EGFR):c.1718G>A (p.Gly573Glu)

Gene: EGFR (epidermal growth factor receptor; plus strand). Cytogenetic location: 7p11.2.
Variant type: single nucleotide variant.
Coding change: c.1718G>A on transcript NM_005228.5 (MANE Select); coding-DNA position 1718, G replaced by A.
Protein change: p.Gly573Glu; replaces glycine 573 with glutamic acid.
Molecular consequence: missense variant.
Genome position (GRCh38, 1-based): chr7:55,163,819, G>A. VCF-style: chr7-55163819-G-A. GRCh37 (hg19) VCF-style: chr7-55231512-G-A.
Other names: c.1583G>A, p.Gly528Glu (NM_001346897.2, NM_001346899.2); c.1718G>A, p.Gly573Glu (NM_001346898.2, NM_201282.2, NM_201284.2); c.1559G>A, p.Gly520Glu (NM_001346900.2); c.917G>A, p.Gly306Glu (NM_001346941.2); short protein forms G306E, G528E, G520E, G573E.
Identifiers: ClinVar variation 2015504 (VCV002015504.4), dbSNP rs2128944824, ClinGen allele CA367580592.

ClinVar aggregate classification (germline): Uncertain significance (1 of 4 stars; one submission).

Conditions:
EGFR-related lung cancer (EGFR). Identifiers: MedGen CN130014.

Submission:

Labcorp Genetics (formerly Invitae), Labcorp
Classification: Uncertain significance for EGFR-related lung cancer. Last evaluated: 2024-04-16. Review status: criteria provided, single submitter. Criteria: Invitae Variant Classification Sherloc (09022015). Collection method: clinical testing. Allele origin: germline.
Comment: This sequence change replaces glycine, which is neutral and non-polar, with glutamic acid, which is acidic and polar, at codon 573 of the EGFR protein (p.Gly573Glu). This variant is not present in population databases (gnomAD no frequency). This variant has not been reported in the literature in individuals affected with EGFR-related conditions. ClinVar contains an entry for this variant (Variation ID: 2015504). Advanced modeling of protein sequence and biophysical properties (such as structural, functional, and spatial information, amino acid conservation, physicochemical variation, residue mobility, and thermodynamic stability) performed at Invitae indicates that this missense variant is expected to disrupt EGFR protein function with a positive predictive value of 80%. In summary, the available evidence is currently insufficient to determine the role of this variant in disease. Therefore, it has been classified as a Variant of Uncertain Significance.